The following is an entry in ClinVar:

NM_001363711.2(DUOX2):c.2815C>T (p.Gln939Ter)

Gene: DUOX2 (dual oxidase 2; minus strand). Cytogenetic location: 15q21.1.
Variant type: single nucleotide variant.
Coding change: c.2815C>T on transcript NM_001363711.2 (MANE Select); coding-DNA position 2815, C replaced by T.
Protein change: p.Gln939Ter; replaces glutamine 939 with a stop codon.
Molecular consequence: nonsense.
Genome position (GRCh38, 1-based): chr15:45,101,829, G>A on the plus strand (C>T on the coding strand, the complement: DUOX2 is on the minus strand). VCF-style: chr15-45101829-G-A. GRCh37 (hg19) VCF-style: chr15-45394027-G-A.
Other names: c.2815C>T, p.Gln939Ter (NM_014080.5); short protein forms Q939*.
Identifiers: ClinVar variation 2712944 (VCV002712944.3), dbSNP rs1430759473, ClinGen allele CA392266141.
Genomic context (GRCh38, chr15:45,101,829, plus strand): 5'-GCCAACCATTCCTCACACACTCACCATTTCCACCTCCACCTCCACCTTTGACACAGAGCT[G>A]CGTGAAGCGGAGCTCGCTGTCATGGTCCCGCAGCATGAAGTGAAAATCCTCCCATGTCAG-3'

ClinVar aggregate classification (germline): Pathogenic (1 of 4 stars; one submission).

Allele frequency attached by ClinVar (database versions not stated): gnomAD 0.00001; TOPMed 0.00001; gnomAD exomes 0.00002.
gnomAD v4.1: 24 of 1,614,072 alleles (0.0015%); highest among the groups gnomAD compares: Non-Finnish European, 0.002%; no homozygotes.

Submission:

Labcorp Genetics (formerly Invitae), Labcorp
Classification: Pathogenic. Last evaluated: 2025-06-02. Review status: criteria provided, single submitter. Criteria: Invitae Variant Classification Sherloc (09022015). Collection method: clinical testing. Allele origin: germline.
Comment: This sequence change creates a premature translational stop signal (p.Gln939*) in the DUOX2 gene. It is expected to result in an absent or disrupted protein product. Loss-of-function variants in DUOX2 are known to be pathogenic (PMID: 12110737, 18765513, 21565790, 24423310, 24735383). This variant is not present in population databases (gnomAD no frequency). This variant has not been reported in the literature in individuals affected with DUOX2-related conditions. ClinVar contains an entry for this variant (Variation ID: 2712944). For these reasons, this variant has been classified as Pathogenic.

Literature cited by the submitters: PubMed 12110737; PubMed 18765513; PubMed 21565790; PubMed 24423310; PubMed 24735383.